The following is an entry in ClinVar:

NM_000844.4(GRM7):c.100G>T (p.Gly34Cys)

Gene: GRM7 (glutamate metabotropic receptor 7; plus strand). Cytogenetic location: 3p26.1.
Variant type: single nucleotide variant.
Coding change: c.100G>T on transcript NM_000844.4 (MANE Select); coding-DNA position 100, G replaced by T.
Protein change: p.Gly34Cys; replaces glycine 34 with cysteine.
Molecular consequence: missense variant.
Genome position (GRCh38, 1-based): chr3:6,861,488, G>T. VCF-style: chr3-6861488-G-T. GRCh37 (hg19) VCF-style: chr3-6903175-G-T.
Other names: c.100G>T, p.Gly34Cys (NM_181874.3); short protein forms G34C.
Identifiers: ClinVar variation 1441086 (VCV001441086.6), dbSNP rs1442070924, ClinGen allele CA351796231.

ClinVar aggregate classification (germline): Uncertain significance (1 of 4 stars; one submission).

gnomAD v4.1: 1 of 1,579,640 alleles (0.000063%); highest among the groups gnomAD compares: South Asian, 0.0012%; no homozygotes.

Submission:

Labcorp Genetics (formerly Invitae), Labcorp
Classification: Uncertain significance. Last evaluated: 2022-05-13. Review status: criteria provided, single submitter. Criteria: Invitae Variant Classification Sherloc (09022015). Collection method: clinical testing. Allele origin: germline.
Comment: This sequence change replaces glycine, which is neutral and non-polar, with cysteine, which is neutral and slightly polar, at codon 34 of the GRM7 protein (p.Gly34Cys). This variant is not present in population databases (gnomAD no frequency). This variant has not been reported in the literature in individuals affected with GRM7-related conditions. Algorithms developed to predict the effect of missense changes on protein structure and function are either unavailable or do not agree on the potential impact of this missense change (SIFT: "Deleterious"; PolyPhen-2: "Possibly Damaging"; Align-GVGD: "Class C0"). In summary, the available evidence is currently insufficient to determine the role of this variant in disease. Therefore, it has been classified as a Variant of Uncertain Significance.